The following is an entry in ClinVar:

ClinVar aggregate classification (germline): Uncertain significance (1 of 4 stars; one submission).

Submission:

Women's Health and Genetics/Laboratory Corporation of America, LabCorp
Classification: Uncertain significance. Last evaluated: 2024-03-01. Review status: criteria provided, single submitter. Criteria: LabCorp Variant Classification Summary - May 2015. Collection method: clinical testing. Allele origin: germline.
Comment: Variant summary: FAM38A c.6993C>A (p.Asn2331Lys) results in a non-conservative amino acid change in the encoded protein sequence. Four of five in-silico tools predict a benign effect of the variant on protein function. The variant was absent in 152670 control chromosomes. The available data on variant occurrences in the general population are insufficient to allow any conclusion about variant significance. To our knowledge, no occurrence of c.6993C>A in individuals affected with Lymphedema, Hereditary, III and no experimental evidence demonstrating its impact on protein function have been reported. No submitters have cited clinical-significance assessments for this variant to ClinVar. Based on the evidence outlined above, the variant was classified as uncertain significance.

NM_001142864.4(PIEZO1):c.6993C>A (p.Asn2331Lys)

Gene: PIEZO1 (piezo type mechanosensitive ion channel component 1 (Er blood group); minus strand). Cytogenetic location: 16q24.3.
Variant type: single nucleotide variant.
Coding change: c.6993C>A on transcript NM_001142864.4 (MANE Select); coding-DNA position 6993, C replaced by A.
Protein change: p.Asn2331Lys; replaces asparagine 2331 with lysine.
Molecular consequence: missense variant.
Genome position (GRCh38, 1-based): chr16:88,716,417, G>T on the plus strand (C>A on the coding strand, the complement: PIEZO1 is on the minus strand). VCF-style: chr16-88716417-G-T. GRCh37 (hg19) VCF-style: chr16-88782825-G-T.
Other names: c.5535C>A, p.Asn1845Lys (NM_014745.1); short protein forms N1845K, N2331K.
Identifiers: ClinVar variation 3233711 (VCV003233711.2), dbSNP rs746444593, ClinGen allele CA397074660.